The following is an entry in ClinVar:

ClinVar aggregate classification (germline): Uncertain significance (1 of 4 stars; one submission).

Conditions:
Carney complex, type 1 (CNC1). Also called: CARNEY MYXOMA-ENDOCRINE COMPLEX; CARNEY COMPLEX, TYPE I. Identifiers: Orphanet 1359, MedGen C2607929, MONDO:0008057, OMIM 160980.

Submission:

Labcorp Genetics (formerly Invitae), Labcorp
Classification: Uncertain significance for Carney complex, type 1. Last evaluated: 2021-02-01. Review status: criteria provided, single submitter. Criteria: Invitae Variant Classification Sherloc (09022015). Collection method: clinical testing. Allele origin: germline.
Comment: Nucleotide substitutions within the consensus splice site are a relatively common cause of aberrant splicing (PMID: 17576681, 9536098). Algorithms developed to predict the effect of sequence changes on RNA splicing suggest that this variant is not likely to affect RNA splicing, but this prediction has not been confirmed by published transcriptional studies. This variant has not been reported in the literature in individuals with PRKAR1A-related conditions. This variant is not present in population databases (ExAC no frequency). This sequence change falls in intron 4 of the PRKAR1A gene. It does not directly change the encoded amino acid sequence of the PRKAR1A protein. It affects a nucleotide within the consensus splice site of the intron. In summary, the available evidence is currently insufficient to determine the role of this variant in disease. Therefore, it has been classified as a Variant of Uncertain Significance.

Literature cited by the submitters: PubMed 17576681; PubMed 9536098.

NM_002734.5(PRKAR1A):c.440+4G>C

Gene: PRKAR1A (protein kinase cAMP-dependent type I regulatory subunit alpha; plus strand). Cytogenetic location: 17q24.2.
Variant type: single nucleotide variant.
Coding change: c.440+4G>C on transcript NM_002734.5 (MANE Select); 4 bases into the intron after coding-DNA position 440, G replaced by C.
Molecular consequence: intron variant.
Genome position (GRCh38, 1-based): chr17:68,523,820, G>C. VCF-style: chr17-68523820-G-C. GRCh37 (hg19) VCF-style: chr17-66519961-G-C.
Other names: c.440+4G>C (NM_001278433.2, NM_001369389.1, NM_212471.3 and 4 more transcripts).
Identifiers: ClinVar variation 1368253 (VCV001368253.6), dbSNP rs2143289473, ClinGen allele CA2573154765.